The following is an entry in ClinVar:

NM_000168.6(GLI3):c.1497C>T (p.His499=)

Gene: GLI3 (GLI family zinc finger 3; minus strand). Cytogenetic location: 7p14.1.
Variant type: single nucleotide variant.
Coding change: c.1497C>T on transcript NM_000168.6 (MANE Select); coding-DNA position 1497, C replaced by T.
Protein change: p.His499=; no amino-acid change (histidine 499 retained).
Molecular consequence: synonymous variant.
Genome position (GRCh38, 1-based): chr7:42,023,468, G>A on the plus strand (C>T on the coding strand, the complement: GLI3 is on the minus strand). VCF-style: chr7-42023468-G-A. GRCh37 (hg19) VCF-style: chr7-42063067-G-A.
Identifiers: ClinVar variation 360245 (VCV000360245.16), dbSNP rs539144173, ClinGen allele CA4230833.

ClinVar aggregate classification (germline): Benign/Likely benign. Review status: criteria provided, multiple submitters, no conflicts (2 of 4 stars). 6 submissions from 4 submitters: Benign (3); Likely benign (2). 1 of the submissions does not count toward it. Last evaluated 2026-07-01.

Conditions:
Pallister-Hall syndrome (PHS). Also called: GLI3-Related Pallister-Hall Syndrome; HYPOTHALAMIC HAMARTOBLASTOMA, HYPOPITUITARISM, IMPERFORATE ANUS, AND POSTAXIAL POLYDACTYLY. Identifiers: Orphanet 672, MedGen C0265220, MONDO:0007804, OMIM 146510.
Greig cephalopolysyndactyly syndrome (GCPS). Also called: Greig syndrome; GLI3-Related Greig Cephalopolysyndactyly Syndrome; POLYSYNDACTYLY WITH PECULIAR SKULL SHAPE. Identifiers: Orphanet 380, MedGen C0265306, MONDO:0008287, OMIM 175700.
Polydactyly. Also called: polydactylism. Identifiers: MedGen C0152427, MONDO:0021003, OMIM 603596, HP:0010442.
GLI3-related disorder. Also called: GLI3-related condition; GLI3-related disorders. Identifiers: MedGen CN239292.

Allele frequency attached by ClinVar (database versions not stated): TOPMed 0.00001; ExAC 0.00026; 1000 Genomes Project 30x 0.00062; 1000 Genomes Project 0.00080.

Submissions (6):

CeGaT Center for Human Genetics Tuebingen
Classification: Likely benign. Last evaluated: 2026-07-01. Review status: criteria provided, single submitter. Criteria: CeGaT Center For Human Genetics Tuebingen Variant Classification Criteria Version 2. Collection method: clinical testing. Allele origin: germline. Affected: yes. Observed: 1 variant allele.
Comment: GLI3: BP4, BP7, BS1

Labcorp Genetics (formerly Invitae), Labcorp
Classification: Likely benign for Pallister-Hall syndrome; Greig cephalopolysyndactyly syndrome. Last evaluated: 2023-03-21. Review status: criteria provided, single submitter. Criteria: Invitae Variant Classification Sherloc (09022015). Collection method: clinical testing. Allele origin: germline.

Illumina Laboratory Services, Illumina
Classification: Benign for Greig cephalopolysyndactyly syndrome. Last evaluated: 2018-01-12. Review status: criteria provided, single submitter. Criteria: ICSL Variant Classification Criteria 13 December 2019. Collection method: clinical testing. Allele origin: germline.
Comment: This variant was observed in the ICSL laboratory as part of a predisposition screen in an ostensibly healthy population. It had not been previously curated by ICSL or reported in the Human Gene Mutation Database (HGMD: prior to June 1st, 2018), and was therefore a candidate for classification through an automated scoring system. Utilizing variant allele frequency, disease prevalence and penetrance estimates, and inheritance mode, an automated score was calculated to assess if this variant is too frequent to cause the disease. Based on the score and internal cut-off values, a variant classified as benign is not then subjected to further curation. The score for this variant resulted in a classification of benign for this disease.

Illumina Laboratory Services, Illumina
Classification: Benign for Polydactyly. Last evaluated: 2018-01-12. Review status: criteria provided, single submitter. Criteria: ICSL Variant Classification Criteria 13 December 2019. Collection method: clinical testing. Allele origin: germline.
Comment: the same text as in the submission from Illumina Laboratory Services, Illumina above.

Illumina Laboratory Services, Illumina
Classification: Benign for Pallister-Hall syndrome. Last evaluated: 2018-01-12. Review status: criteria provided, single submitter. Criteria: ICSL Variant Classification Criteria 13 December 2019. Collection method: clinical testing. Allele origin: germline.
Comment: the same text as in the submission from Illumina Laboratory Services, Illumina above.

PreventionGenetics, part of Exact Sciences
Classification: Likely benign for GLI3-related condition. Last evaluated: 2022-03-17. Review status: no assertion criteria provided. Collection method: clinical testing. Allele origin: germline. Not counted in ClinVar's aggregate classification.
Comment: This variant is classified as likely benign based on ACMG/AMP sequence variant interpretation guidelines (Richards et al. 2015 PMID: 25741868, with internal and published modifications).